The following is an entry in ClinVar:

NM_033337.3(CAV3):c.196_197insTT (p.Thr66fs)

Genes: CAV3 (caveolin 3; plus strand), OXTR (oxytocin receptor; minus strand). Cytogenetic location: 3p25.3.
Variant type: Insertion.
Coding change: c.196_197insTT on transcript NM_033337.3 (MANE Select); coding-DNA positions 196 to 197, TT inserted.
Protein change: p.Thr66fs; shifts the reading frame from threonine 66.
Molecular consequence: frameshift variant.
Genome position: GRCh38 VCF-style: chr3-8745607-A-ATT. GRCh37 (hg19) VCF-style: chr3-8787293-A-ATT.
Other names: c.196_197insTT, p.Thr66fs (NM_001234.5); short protein forms T66fs.
Identifiers: ClinVar variation 2752803 (VCV002752803.3), dbSNP rs2470062110, ClinGen allele CA2697550658.

ClinVar aggregate classification (germline): Pathogenic (1 of 4 stars; one submission).

Conditions:
Long QT syndrome (LQTS). Identifiers: MedGen C0023976, MeSH D008133, MONDO:0002442. Disease mechanism: loss of function. Inheritance: Various modes of inheritance.

Submission:

Labcorp Genetics (formerly Invitae), Labcorp
Classification: Pathogenic for Long QT syndrome. Last evaluated: 2023-08-25. Review status: criteria provided, single submitter. Criteria: Invitae Variant Classification Sherloc (09022015). Collection method: clinical testing. Allele origin: germline.
Comment: This variant has not been reported in the literature in individuals affected with CAV3-related conditions. This sequence change creates a premature translational stop signal (p.Thr66Ilefs*47) in the CAV3 gene. While this is not anticipated to result in nonsense mediated decay, it is expected to disrupt the last 86 amino acid(s) of the CAV3 protein. This variant is not present in population databases (gnomAD no frequency). Algorithms developed to predict the effect of sequence changes on RNA splicing suggest that this variant may create or strengthen a splice site. This variant disrupts a region of the CAV3 protein in which other variant(s) (p.Ala93Thr) have been determined to be pathogenic (PMID: 12666119, 15668980, 19697367, 27184587; Invitae). This suggests that this is a clinically significant region of the protein, and that variants that disrupt it are likely to be disease-causing. For these reasons, this variant has been classified as Pathogenic.

Literature cited by the submitters: PubMed 12666119; PubMed 15668980; PubMed 19697367; PubMed 27184587.